The following is an entry in ClinVar:

NM_001754.5(RUNX1):c.211C>G (p.Leu71Val)

Gene: RUNX1 (RUNX family transcription factor 1; minus strand). Cytogenetic location: 21q22.12.
Variant type: single nucleotide variant.
Coding change: c.211C>G on transcript NM_001754.5 (MANE Select); coding-DNA position 211, C replaced by G.
Protein change: p.Leu71Val; replaces leucine 71 with valine.
Molecular consequence: missense variant.
Genome position (GRCh38, 1-based): chr21:34,886,983, G>C on the plus strand (C>G on the coding strand, the complement: RUNX1 is on the minus strand). VCF-style: chr21-34886983-G-C. GRCh37 (hg19) VCF-style: chr21-36259280-G-C.
Other names: NM_001754.5(RUNX1):c.211C>G; p.Leu71Val; c.130C>G, p.Leu44Val (NM_001001890.3, NM_001122607.2); short protein forms L71V, L44V.
Identifiers: ClinVar variation 2201687 (VCV002201687.7), dbSNP rs2146411952, ClinGen allele CA410203889.

ClinVar aggregate classification (germline): Uncertain significance. Review status: reviewed by expert panel (3 of 4 stars). 3 submissions from 3 submitters: Uncertain significance (1). 2 of the submissions do not count toward it. Last evaluated 2025-01-15.

Conditions:
Acute myeloid leukemia (AML). Also called: Acute myeloid leukemia, adult; AML adult; Acute non-lymphocytic leukemia; Acute granulocytic leukemia; Leukemia, acute myeloid, somatic; Leukemia, acute myelogenous, somatic. Identifiers: Orphanet 519, MedGen C0023467, MeSH D015470, MONDO:0018874, OMIM 601626, HP:0004808. Disease mechanism: Constitutively activated FLT3.
Hereditary thrombocytopenia and hematological cancer predisposition syndrome associated with RUNX1. Also called: Familial Platelet Disorder with Propensity to Acute Myelogenous Leukemia; Familial thrombocytopenia with propensity to acute myelogenous leukemia; PLATELET DISORDER, ASPIRIN-LIKE; RUNX1 Familial Platelet Disorder with Associated Myeloid Malignancies. Identifiers: Orphanet 71290, MedGen C1832388, MeSH C563324, MONDO:0100083, OMIM 601399.
Hereditary thrombocytopenia and hematologic cancer predisposition syndrome. Identifiers: Orphanet 71290, MedGen CN281654, MONDO:0011071.

Submissions (3):

ClinGen Myeloid Malignancy Variant Curation Expert Panel
Classification: Uncertain significance for Hereditary thrombocytopenia and hematologic cancer predisposition syndrome. Last evaluated: 2025-01-15. Review status: reviewed by expert panel. Criteria: ClinGen MyeloMalig ACMG Specifications v2. Collection method: curation. Allele origin: germline. Inheritance: Autosomal dominant inheritance.
Comment: NM_001754.5(RUNX1):c.211C>G (p.Leu71Val) is a missense variant which has a REVEL score < 0.50 (0.402) and a SpliceAI score ≤ 0.20 (Donor Gain 0.17) (BP4). This variant is completely absent from all population databases with at least 20x coverage for RUNX1 (PM2_Supporting). In summary, the clinical significance of this variant is uncertain. ACMG/AMP criteria applied, as specified by the Myeloid Malignancy Variant Curation Expert Panel for RUNX1: BP4, PM2_supporting.

Baylor Genetics
Classification: Uncertain significance for Acute myeloid leukemia. Last evaluated: 2023-12-18. Review status: criteria provided, single submitter. Criteria: ACMG Guidelines, 2015. Collection method: clinical testing. Allele origin: unknown. Not counted in ClinVar's aggregate classification.

Labcorp Genetics (formerly Invitae), Labcorp
Classification: Uncertain significance for Hereditary thrombocytopenia and hematological cancer predisposition syndrome associated with RUNX1. Last evaluated: 2022-10-14. Review status: criteria provided, single submitter. Criteria: Invitae Variant Classification Sherloc (09022015). Collection method: clinical testing. Allele origin: germline. Not counted in ClinVar's aggregate classification.
Comment: In summary, the available evidence is currently insufficient to determine the role of this variant in disease. Therefore, it has been classified as a Variant of Uncertain Significance. Advanced modeling of protein sequence and biophysical properties (such as structural, functional, and spatial information, amino acid conservation, physicochemical variation, residue mobility, and thermodynamic stability) has been performed at Invitae for this missense variant, however the output from this modeling did not meet the statistical confidence thresholds required to predict the impact of this variant on RUNX1 protein function. This variant has not been reported in the literature in individuals affected with RUNX1-related conditions. This variant is not present in population databases (gnomAD no frequency). This sequence change replaces leucine, which is neutral and non-polar, with valine, which is neutral and non-polar, at codon 71 of the RUNX1 protein (p.Leu71Val).